The following is an entry in ClinVar:

ClinVar aggregate classification (germline): Conflicting classifications of pathogenicity. Review status: criteria provided, conflicting classifications (1 of 4 stars). 15 submissions from 11 submitters: Uncertain significance (12); Likely benign (3). Last evaluated 2026-03-18.

Conditions:
TTN-related disorder. Also called: TTN-related disorders; TTN-related condition; TTN-related disease.
Cardiovascular phenotype. Identifiers: MedGen CN230736.
Dilated cardiomyopathy 1G (CMD1G). Identifiers: Orphanet 154, MedGen C1858763, MONDO:0011400, OMIM 604145.
Autosomal recessive limb-girdle muscular dystrophy type 2J (LGMDR10). Also called: Limb-girdle muscular dystrophy, type 2J; MUSCULAR DYSTROPHY, LIMB-GIRDLE, AUTOSOMAL RECESSIVE 10. Identifiers: Orphanet 140922, MedGen C1837342, MONDO:0012127, OMIM 608807.
Hypertrophic cardiomyopathy 9. Also called: Familial hypertrophic cardiomyopathy 9. Identifiers: MedGen C1861065, MONDO:0013412, OMIM 613765.
Early-onset myopathy with fatal cardiomyopathy (CMYO5). Also called: CONGENITAL MYOPATHY 5 WITH CARDIOMYOPATHY; Salih Myopathy. Identifiers: Orphanet 289377, MedGen C2673677, MONDO:0012714, OMIM 611705. Disease mechanism: loss of function.
Tibial muscular dystrophy (TMD). Also called: Tibial muscular dystrophy, tardive; Udd Distal Myopathy – Tibial Muscular Dystrophy; UDD MYOPATHY. Identifiers: Orphanet 609, MedGen C1838244, MONDO:0010870, OMIM 600334.
Myopathy, myofibrillar, 9, with early respiratory failure (MFM9). Also called: Myopathy, distal, with early respiratory failure, autosomal dominant; MYOPATHY, PROXIMAL, WITH EARLY RESPIRATORY MUSCLE INVOLVEMENT; Hereditary myopathy with early respiratory failure; EDSTROM MYOPATHY. Identifiers: Orphanet 178464, Orphanet 34521, MedGen C1863599, MONDO:0011362, OMIM 603689.

Allele frequency attached by ClinVar (database versions not stated): gnomAD exomes 0.00002 and 0.00005; ExAC 0.00007; gnomAD 0.00014 and 0.00016; TOPMed 0.00028; 1000 Genomes Project 0.00060; 1000 Genomes Project 30x 0.00062.
gnomAD v4.1: 65 of 1,613,444 alleles (0.004%); highest among the groups gnomAD compares: Admixed American, 0.05%; no homozygotes.

Submissions (15):

PreventionGenetics, part of Exact Sciences
Classification: Uncertain significance for TTN-related condition. Last evaluated: 2026-03-18. Review status: criteria provided, single submitter. Criteria: ACMG Guidelines, 2015. Collection method: clinical testing. Allele origin: germline.
Comment: The TTN c.75490G>A variant is predicted to result in the amino acid substitution p.Asp25164Asn. This variant was reported as a variant of uncertain significance in a pediatric patient with dilated cardiomyopathy (DCM) that also harbored additional variants in other DCM-related genes (Reported as NM_133378:c.67786G>A (p.Asp22596Asn); Supp. Table 2 Burstein et al. 2021. PubMed ID: 32746448).This variant is reported in 0.025% of alleles in individuals of Latino descent in gnomAD. At this time, the clinical significance of this variant is uncertain due to the absence of conclusive functional and genetic evidence.

Women's Health and Genetics/Laboratory Corporation of America, LabCorp
Classification: Uncertain significance. Last evaluated: 2025-04-02. Review status: criteria provided, single submitter. Criteria: LabCorp Variant Classification Summary - May 2015. Collection method: clinical testing. Allele origin: germline.
Comment: Variant summary: TTN NM_133378 c.67786G>A (p.Asp22596Asn) (also known as NM_001267550: c.75490G>A p.Asp25164Asn) results in a conservative amino acid change in the encoded protein sequence. Three of four in-silico tools predict a benign effect of the variant on protein function. The variant allele was found at a frequency of 5.2e-05 in 248576 control chromosomes. This frequency is not significantly higher than estimated for a pathogenic variant in TTN causing Autosomal Recessive Titinopathy (5.2e-05 vs 0.00039), allowing no conclusion about variant significance. c.67786G>A has been reported in the literature in one individual affected with pediatric cardiomyopathy, with strong evidence for causality (Burstein_2021). These report(s) do not provide unequivocal conclusions about association of the variant with Autosomal Recessive Titinopathy. To our knowledge, no experimental evidence demonstrating an impact on protein function has been reported. The following publication has been ascertained in the context of this evaluation (PMID: 32746448). ClinVar contains an entry for this variant (Variation ID: 229517). Based on the evidence outlined above, the variant was classified as uncertain significance.

New York Genome Center
Classification: Uncertain significance for Hypertrophic cardiomyopathy 9; Dilated cardiomyopathy 1G. Last evaluated: 2023-06-09. Review status: criteria provided, single submitter. Criteria: NYGC Assertion Criteria 2020. Collection method: clinical testing. Allele origin: germline. Observed: 1 heterozygote.

GeneDx
Classification: Likely benign. Last evaluated: 2021-03-22. Review status: criteria provided, single submitter. Criteria: GeneDx Variant Classification Process June 2021. Collection method: clinical testing. Allele origin: germline. Affected: yes.
Comment: Missense variant in a gene in which most reported pathogenic variants are truncating/loss-of-function; In silico analysis supports that this missense variant does not alter protein structure/function; Has not been previously published as pathogenic or benign to our knowledge

Revvity Omics, Revvity
Classification: Uncertain significance. Last evaluated: 2020-10-05. Review status: criteria provided, single submitter. Criteria: ACMG Guidelines, 2015. Collection method: clinical testing. Allele origin: germline.

Ambry Genetics
Classification: Uncertain significance for Cardiovascular phenotype. Last evaluated: 2020-01-02. Review status: criteria provided, single submitter. Criteria: Ambry Variant Classification Scheme 2023. Collection method: clinical testing. Allele origin: germline.
Comment: The p.D16099N variant (also known as c.48295G>A), located in coding exon 153 of the TTN gene, results from a G to A substitution at nucleotide position 48295. The aspartic acid at codon 16099 is replaced by asparagine, an amino acid with highly similar properties. This amino acid position is highly conserved in available vertebrate species. In addition, this alteration is predicted to be tolerated by in silico analysis. Since supporting evidence is limited at this time, the clinical significance of this alteration remains unclear.

Athena Diagnostics
Classification: Uncertain significance. Last evaluated: 2019-07-09. Review status: criteria provided, single submitter. Criteria: Athena Diagnostics Criteria. Collection method: clinical testing. Allele origin: germline.

Eurofins Ntd Llc (ga)
Classification: Uncertain significance. Last evaluated: 2018-01-24. Review status: criteria provided, single submitter. Criteria: EGL Classification Definitions 2015. Collection method: clinical testing. Allele origin: germline. Observed: 2 variant alleles, 2 heterozygotes.

Illumina Laboratory Services, Illumina
Classification: Uncertain significance for Dilated cardiomyopathy 1G. Last evaluated: 2018-01-12. Review status: criteria provided, single submitter. Criteria: ICSL Variant Classification Criteria 13 December 2019. Collection method: clinical testing. Allele origin: germline.

Illumina Laboratory Services, Illumina
Classification: Uncertain significance for Autosomal recessive limb-girdle muscular dystrophy type 2J. Last evaluated: 2018-01-12. Review status: criteria provided, single submitter. Criteria: ICSL Variant Classification Criteria 13 December 2019. Collection method: clinical testing. Allele origin: germline.

Illumina Laboratory Services, Illumina
Classification: Uncertain significance for Early-onset myopathy with fatal cardiomyopathy. Last evaluated: 2018-01-12. Review status: criteria provided, single submitter. Criteria: ICSL Variant Classification Criteria 13 December 2019. Collection method: clinical testing. Allele origin: germline.

Illumina Laboratory Services, Illumina
Classification: Likely benign for Tibial muscular dystrophy. Last evaluated: 2018-01-12. Review status: criteria provided, single submitter. Criteria: ICSL Variant Classification Criteria 13 December 2019. Collection method: clinical testing. Allele origin: germline.
Comment: This variant was observed in the ICSL laboratory as part of a predisposition screen in an ostensibly healthy population. It had not been previously curated by ICSL or reported in the Human Gene Mutation Database (HGMD: prior to June 1st, 2018), and was therefore a candidate for classification through an automated scoring system. Utilizing variant allele frequency, disease prevalence and penetrance estimates, and inheritance mode, an automated score was calculated to assess if this variant is too frequent to cause the disease. Based on the score and internal cut-off values, a variant classified as likely benign is not then subjected to further curation. The score for this variant resulted in a classification of likely benign for this disease.

Illumina Laboratory Services, Illumina
Classification: Likely benign for Myopathy, myofibrillar, 9, with early respiratory failure. Last evaluated: 2018-01-12. Review status: criteria provided, single submitter. Criteria: ICSL Variant Classification Criteria 13 December 2019. Collection method: clinical testing. Allele origin: germline.
Comment: the same text as in the submission from Illumina Laboratory Services, Illumina above.

Labcorp Genetics (formerly Invitae), Labcorp
Classification: Uncertain significance for Dilated cardiomyopathy 1G; Autosomal recessive limb-girdle muscular dystrophy type 2J. Last evaluated: 2017-06-12. Review status: criteria provided, single submitter. Criteria: Invitae Variant Classification Sherloc (09022015). Collection method: clinical testing. Allele origin: germline.

Laboratory for Molecular Medicine, Mass General Brigham Personalized Medicine
Classification: Uncertain significance. Last evaluated: 2017-04-20. Review status: criteria provided, single submitter. Criteria: LMM Criteria. Collection method: clinical testing. Allele origin: germline. Observed: 3 variant alleles.
Comment: This variant has been reported in ClinVar (Variation ID: 229517) as of unc ertain significance. Computational prediction tools and conservation analysis do not provide strong support for or against an impact to the protein. In summary, the clinical significance of the p.Asp22596Asn variant is uncertain.

Literature cited by the submitters: PubMed 32746448 (cited by Women's Health and Genetics/Laboratory Corporation of America, LabCorp).

NM_001267550.2(TTN):c.75490G>A (p.Asp25164Asn)

Genes: TTN-AS1 (TTN antisense RNA 1; plus strand), TTN (titin; minus strand). Cytogenetic location: 2q31.2.
Variant type: single nucleotide variant.
Coding change: c.75490G>A on transcript NM_001267550.2 (MANE Select); coding-DNA position 75490, G replaced by A.
Protein change: p.Asp25164Asn; replaces aspartic acid 25164 with asparagine.
Molecular consequence: missense variant.
Genome position (GRCh38, 1-based): chr2:178,570,642, C>T on the plus strand (G>A on the coding strand, the complement: TTN is on the minus strand). VCF-style: chr2-178570642-C-T. GRCh37 (hg19) VCF-style: chr2-179435369-C-T.
Other names: c.67786G>A, p.Asp22596Asn (NM_133378.4); c.70567G>A, p.Asp23523Asn (NM_001256850.1); c.48295G>A, p.Asp16099Asn (NM_003319.4); c.48670G>A, p.Asp16224Asn (NM_133432.3); c.48871G>A, p.Asp16291Asn (NM_133437.4); short protein forms D22596N, D25164N, D16291N, D16224N, D23523N, D16099N.
Identifiers: ClinVar variation 229517 (VCV000229517.27), dbSNP rs192468365, ClinGen allele CA1990042.